The following is an entry in ClinVar:

NM_000492.4(CFTR):c.2366C>T (p.Ala789Val)

Gene: CFTR (CF transmembrane conductance regulator; plus strand). Cytogenetic location: 7q31.2.
Variant type: single nucleotide variant.
Coding change: c.2366C>T on transcript NM_000492.4 (MANE Select); coding-DNA position 2366, C replaced by T.
Protein change: p.Ala789Val; replaces alanine 789 with valine.
Molecular consequence: missense variant.
Genome position (GRCh38, 1-based): chr7:117,592,533, C>T. VCF-style: chr7-117592533-C-T. GRCh37 (hg19) VCF-style: chr7-117232587-C-T.
Other names: short protein forms A789V.
Identifiers: ClinVar variation 3832561 (VCV003832561.1).
Genomic context (GRCh38, chr7:117,592,533, plus strand): 5'-TCCTGAACCTGATGACACACTCAGTTAACCAAGGTCAGAACATTCACCGAAAGACAACAG[C>T]ATCCACACGAAAAGTGTCACTGGCCCCTCAGGCAAACTTGACTGAACTGGATATATATTC-3'
Protein context (NP_000483.3, residues 779-799): QGQNIHRKTT[Ala789Val]STRKVSLAPQ

ClinVar aggregate classification (germline): Uncertain significance (1 of 4 stars; one submission).

Conditions:
Cystic fibrosis (CF). Also called: MUCOVISCIDOSIS. Identifiers: Orphanet 586, MedGen C0010674, MONDO:0009061, OMIM 219700. Disease mechanism: loss of function.

gnomAD v4.1: 1 of 1,525,092 alleles (0.000066%); highest among the groups gnomAD compares: Non-Finnish European, 0.000088%; no homozygotes.

Submission:

Ambry Genetics
Classification: Uncertain significance for Cystic fibrosis. Last evaluated: 2024-12-22. Review status: criteria provided, single submitter. Criteria: Ambry Variant Classification Scheme 2023. Collection method: clinical testing. Allele origin: germline.
Comment: The p.A789V variant (also known as c.2366C>T), located in coding exon 14 of the CFTR gene, results from a C to T substitution at nucleotide position 2366. The alanine at codon 789 is replaced by valine, an amino acid with similar properties. This amino acid position is conserved. In addition, the in silico prediction for this alteration is inconclusive. Based on the available evidence, the clinical significance of this variant remains unclear.